The following is an entry in ClinVar:

NM_012469.4(PRPF6):c.1164A>G (p.Ala388=)

Gene: PRPF6 (pre-mRNA processing factor 6; plus strand). Cytogenetic location: 20q13.33.
Variant type: single nucleotide variant.
Coding change: c.1164A>G on transcript NM_012469.4 (MANE Select); coding-DNA position 1164, A replaced by G.
Protein change: p.Ala388=; no amino-acid change (alanine 388 retained).
Molecular consequence: synonymous variant.
Genome position (GRCh38, 1-based): chr20:64,001,217, A>G. VCF-style: chr20-64001217-A-G. GRCh37 (hg19) VCF-style: chr20-62632570-A-G.
Identifiers: ClinVar variation 339470 (VCV000339470.16), dbSNP rs201984924, ClinGen allele CA9972103.

ClinVar aggregate classification (germline): Conflicting classifications of pathogenicity. Review status: criteria provided, conflicting classifications (1 of 4 stars). 4 submissions from 4 submitters: Uncertain significance (1); Benign (1); Likely benign (1). 1 of the submissions does not count toward it. Last evaluated 2025-12-15.

Conditions:
Retinitis pigmentosa (RP). Identifiers: Orphanet 791, MedGen C0035334, MeSH D012174, MONDO:0019200, OMIM 268000. Inheritance: Autosomal dominant, autosomal recessive and X linked inheritance.
PRPF6-related disorder. Also called: PRPF6-related condition.

Allele frequency attached by ClinVar (database versions not stated): ESP Exome Variant Server 0.00008; gnomAD exomes 0.00014 and 0.00028; gnomAD 0.00015 and 0.00016; TOPMed 0.00015; ExAC 0.00017.
gnomAD v4.1: 261 of 1,614,118 alleles (0.016%); highest among the groups gnomAD compares: Non-Finnish European, 0.0031%; no homozygotes.

Submissions (4):

Labcorp Genetics (formerly Invitae), Labcorp
Classification: Benign. Last evaluated: 2025-12-15. Review status: criteria provided, single submitter. Criteria: Invitae Variant Classification Sherloc (09022015). Collection method: clinical testing. Allele origin: germline.

Blueprint Genetics
Classification: Likely benign. Last evaluated: 2024-04-12. Review status: criteria provided, single submitter. Criteria: ACMG Guidelines, 2015. Collection method: clinical testing. Allele origin: germline.

Illumina Laboratory Services, Illumina
Classification: Uncertain significance for Retinitis pigmentosa. Last evaluated: 2018-01-13. Review status: criteria provided, single submitter. Criteria: ICSL Variant Classification Criteria 13 December 2019. Collection method: clinical testing. Allele origin: germline.

PreventionGenetics, part of Exact Sciences
Classification: Benign for PRPF6-related condition. Last evaluated: 2019-06-05. Review status: no assertion criteria provided. Collection method: clinical testing. Allele origin: germline. Not counted in ClinVar's aggregate classification.
Comment: This variant is classified as benign based on ACMG/AMP sequence variant interpretation guidelines (Richards et al. 2015 PMID: 25741868, with internal and published modifications).